The following is an entry in ClinVar:

NM_001330360.2(POLA1):c.3322G>T (p.Asp1108Tyr)

Gene: POLA1 (DNA polymerase alpha 1, catalytic subunit; plus strand). Cytogenetic location: Xp22.11.
Variant type: single nucleotide variant.
Coding change: c.3322G>T on transcript NM_001330360.2 (MANE Select); coding-DNA position 3322, G replaced by T.
Protein change: p.Asp1108Tyr; replaces aspartic acid 1108 with tyrosine.
Molecular consequence: missense variant. On other transcripts: non-coding transcript variant (2).
Genome position (GRCh38, 1-based): chrX:24,815,004, G>T. VCF-style: chrX-24815004-G-T. GRCh37 (hg19) VCF-style: chrX-24833121-G-T.
Other names: c.3247G>T, p.Asp1083Tyr (NM_001378303.1); c.3322G>T, p.Asp1108Tyr (NM_001440806.1); c.3304G>T, p.Asp1102Tyr (NM_016937.4); short protein forms D1108Y, D1102Y, D1083Y.
Identifiers: ClinVar variation 4762243 (VCV004762243.1).

ClinVar aggregate classification (germline): Uncertain significance (1 of 4 stars; one submission).

Submission:

Labcorp Genetics (formerly Invitae), Labcorp
Classification: Uncertain significance. Last evaluated: 2025-03-06. Review status: criteria provided, single submitter. Criteria: Invitae Variant Classification Sherloc (09022015). Collection method: clinical testing. Allele origin: germline.
Comment: This sequence change replaces aspartic acid, which is acidic and polar, with tyrosine, which is neutral and polar, at codon 1102 of the POLA1 protein (p.Asp1102Tyr). This variant is not present in population databases (gnomAD no frequency). This variant has not been reported in the literature in individuals affected with POLA1-related conditions. Invitae Evidence Modeling of protein sequence and biophysical properties (such as structural, functional, and spatial information, amino acid conservation, physicochemical variation, residue mobility, and thermodynamic stability) indicates that this missense variant is expected to disrupt POLA1 protein function with a positive predictive value of 80%. In summary, the available evidence is currently insufficient to determine the role of this variant in disease. Therefore, it has been classified as a Variant of Uncertain Significance.